The following is an entry in ClinVar:

NM_014402.5(UQCRQ):c.165G>C (p.Val55=)

Gene: UQCRQ (ubiquinol-cytochrome c reductase complex III subunit VII; plus strand). Cytogenetic location: 5q31.1.
Variant type: single nucleotide variant.
Coding change: c.165G>C on transcript NM_014402.5 (MANE Select); coding-DNA position 165, G replaced by C.
Protein change: p.Val55=; no amino-acid change (valine 55 retained).
Molecular consequence: synonymous variant.
Genome position (GRCh38, 1-based): chr5:132,867,498, G>C. VCF-style: chr5-132867498-G-C. GRCh37 (hg19) VCF-style: chr5-132203190-G-C.
Identifiers: ClinVar variation 387639 (VCV000387639.5), dbSNP rs767470265, ClinGen allele CA3408492.

ClinVar aggregate classification (germline): Likely benign. Review status: criteria provided, multiple submitters, no conflicts (2 of 4 stars). 2 submissions from 2 submitters: Likely benign (2). Last evaluated 2026-09-01.

Allele frequency attached by ClinVar (database versions not stated): gnomAD 0.00001 and 0.00003; gnomAD exomes 0.00003; ExAC 0.00001; TOPMed 0.00003.
gnomAD v4.1: 51 of 1,613,438 alleles (0.0032%); highest among the groups gnomAD compares: Middle Eastern, 0.016%; no homozygotes.

Submissions (2):

CeGaT Center for Human Genetics Tuebingen
Classification: Likely benign. Last evaluated: 2026-09-01. Review status: criteria provided, single submitter. Criteria: CeGaT Center For Human Genetics Tuebingen Variant Classification Criteria Version 2. Collection method: clinical testing. Allele origin: germline. Affected: yes. Observed: 1 variant allele.
Comment: UQCRQ: BP4, BP7

GeneDx
Classification: Likely benign. Last evaluated: 2018-06-27. Review status: criteria provided, single submitter. Criteria: GeneDx Variant Classification Process June 2021. Collection method: clinical testing. Allele origin: germline. Affected: yes.